The following is an entry in ClinVar:

ClinVar aggregate classification (germline): Benign (1 of 4 stars; one submission).

Allele frequency attached by ClinVar (database versions not stated): gnomAD 0.03342 and 0.03571; 1000 Genomes Project 0.03355; 1000 Genomes Project 30x 0.03638; TOPMed 0.03765.
gnomAD v4.1: 5,034 of 152,174 alleles (3.3%); highest among the groups gnomAD compares: African/African-American, 11%; 297 homozygotes.

Submission:

GeneDx
Classification: Benign. Last evaluated: 2018-06-14. Review status: criteria provided, single submitter. Criteria: GeneDx Variant Classification (06012015). Collection method: clinical testing. Allele origin: germline. Affected: yes.
Comment: This variant is considered likely benign or benign based on one or more of the following criteria: it is a conservative change, it occurs at a poorly conserved position in the protein, it is predicted to be benign by multiple in silico algorithms, and/or has population frequency not consistent with disease.

NM_004544.4(NDUFA10):c.805-300C>T

Gene: NDUFA10 (NADH:ubiquinone oxidoreductase subunit A10; minus strand). Cytogenetic location: 2q37.3.
Variant type: single nucleotide variant.
Coding change: c.805-300C>T on transcript NM_004544.4 (MANE Select); 300 bases into the intron before coding-DNA position 805, C replaced by T.
Molecular consequence: intron variant.
Genome position (GRCh38, 1-based): chr2:240,005,595, G>A on the plus strand (C>T on the coding strand, the complement: NDUFA10 is on the minus strand). VCF-style: chr2-240005595-G-A. GRCh37 (hg19) VCF-style: chr2-240945012-G-A.
Other names: c.805-300C>T (NM_001322020.2, NM_001322019.2).
Identifiers: ClinVar variation 673201 (VCV000673201.1), dbSNP rs111420729, ClinGen allele CA68055732.